The following is an entry in ClinVar:

NM_001851.6(COL9A1):c.912G>A (p.Pro304=)

Gene: COL9A1 (collagen type IX alpha 1 chain; minus strand). Cytogenetic location: 6q13.
Variant type: single nucleotide variant.
Coding change: c.912G>A on transcript NM_001851.6 (MANE Select); coding-DNA position 912, G replaced by A.
Protein change: p.Pro304=; no amino-acid change (proline 304 retained).
Molecular consequence: synonymous variant. On other transcripts: non-coding transcript variant (1).
Genome position (GRCh38, 1-based): chr6:70,281,004, C>T on the plus strand (G>A on the coding strand, the complement: COL9A1 is on the minus strand). VCF-style: chr6-70281004-C-T. GRCh37 (hg19) VCF-style: chr6-70990707-C-T.
Other names: c.183G>A, p.Pro61= (NM_001377289.1, NM_001377290.1, NM_078485.4); c.912G>A, p.Pro304= (NM_001377291.1); c.912G>A (NM_001851.4).
Identifiers: ClinVar variation 1045571 (VCV001045571.5), dbSNP rs751410284, ClinGen allele CA3882589.

ClinVar aggregate classification (germline): Uncertain significance. Review status: criteria provided, single submitter (1 of 4 stars). 2 submissions from 2 submitters: Uncertain significance (1). 1 of the submissions does not count toward it. Last evaluated 2022-07-06.

Conditions:
COL9A1-related disorder. Also called: COL9A1-related disorders; COL9A1-related condition.

Allele frequency attached by ClinVar (database versions not stated): gnomAD exomes 0.00001 and 0.00003; TOPMed 0.00003; ExAC 0.00004; gnomAD 0.00001.
gnomAD v4.1: 14 of 1,612,838 alleles (0.00087%); highest among the groups gnomAD compares: Admixed American, 0.018%; no homozygotes.

Submissions (2):

Labcorp Genetics (formerly Invitae), Labcorp
Classification: Uncertain significance. Last evaluated: 2022-07-06. Review status: criteria provided, single submitter. Criteria: Invitae Variant Classification Sherloc (09022015). Collection method: clinical testing. Allele origin: germline.
Comment: This sequence change affects codon 304 of the COL9A1 mRNA. It is a 'silent' change, meaning that it does not change the encoded amino acid sequence of the COL9A1 protein. This variant also falls at the last nucleotide of exon 9, which is part of the consensus splice site for this exon. This variant is present in population databases (rs751410284, gnomAD 0.02%). This variant has not been reported in the literature in individuals affected with COL9A1-related conditions. ClinVar contains an entry for this variant (Variation ID: 1045571). Variants that disrupt the consensus splice site are a relatively common cause of aberrant splicing (PMID: 17576681, 9536098). Algorithms developed to predict the effect of sequence changes on RNA splicing suggest that this variant is not likely to affect RNA splicing. In summary, the available evidence is currently insufficient to determine the role of this variant in disease. Therefore, it has been classified as a Variant of Uncertain Significance.

PreventionGenetics, part of Exact Sciences
Classification: Uncertain significance for COL9A1-related condition. Last evaluated: 2024-08-19. Review status: no assertion criteria provided. Collection method: clinical testing. Allele origin: germline. Not counted in ClinVar's aggregate classification.
Comment: The COL9A1 c.912G>A variant is not predicted to result in an amino acid change (p.=). This variant occurs at the last nucleotide of exon 9 and is predicted to reduce the strength of the canonical splice donor site (SpliceAI, Jaganathan et al. 2019. PubMed ID: 30661751). To our knowledge, this variant has not been reported in the literature. This variant is reported in 0.017% of alleles in individuals of Latino descent in gnomAD. At this time, the clinical significance of this variant is uncertain due to the absence of conclusive functional and genetic evidence.

Literature cited by the submitters: PubMed 17576681 (cited by Labcorp Genetics (formerly Invitae), Labcorp); PubMed 9536098 (cited by Labcorp Genetics (formerly Invitae), Labcorp).